The following is an entry in ClinVar:

NM_007255.3(B4GALT7):c.134C>T (p.Ser45Phe)

Gene: B4GALT7 (beta-1,4-galactosyltransferase 7; plus strand). Cytogenetic location: 5q35.3.
Variant type: single nucleotide variant.
Coding change: c.134C>T on transcript NM_007255.3 (MANE Select); coding-DNA position 134, C replaced by T.
Protein change: p.Ser45Phe; replaces serine 45 with phenylalanine.
Molecular consequence: missense variant.
Genome position (GRCh38, 1-based): chr5:177,604,262, C>T. VCF-style: chr5-177604262-C-T. GRCh37 (hg19) VCF-style: chr5-177031263-C-T.
Other names: short protein forms S45F.
Identifiers: ClinVar variation 2182750 (VCV002182750.4), dbSNP rs747688432, ClinGen allele CA3586389.

ClinVar aggregate classification (germline): Uncertain significance (1 of 4 stars; one submission).

Conditions:
Spondylodysplastic Ehlers-Danlos syndrome. Identifiers: Orphanet 536471, Orphanet 75496, MedGen C5680154, MONDO:0007526.

Allele frequency attached by ClinVar (database versions not stated): gnomAD 0.00002.
gnomAD v4.1: 8 of 1,613,428 alleles (0.0005%); highest among the groups gnomAD compares: Admixed American, 0.0033%; no homozygotes.

Submission:

Labcorp Genetics (formerly Invitae), Labcorp
Classification: Uncertain significance for Spondylodysplastic Ehlers-Danlos syndrome. Last evaluated: 2022-04-23. Review status: criteria provided, single submitter. Criteria: Invitae Variant Classification Sherloc (09022015). Collection method: clinical testing. Allele origin: germline.
Comment: Algorithms developed to predict the effect of missense changes on protein structure and function are either unavailable or do not agree on the potential impact of this missense change (SIFT: "Deleterious"; PolyPhen-2: "Probably Damaging"; Align-GVGD: "Class C0"). In summary, the available evidence is currently insufficient to determine the role of this variant in disease. Therefore, it has been classified as a Variant of Uncertain Significance. This variant has not been reported in the literature in individuals affected with B4GALT7-related conditions. This variant is present in population databases (rs747688432, gnomAD 0.003%). This sequence change replaces serine, which is neutral and polar, with phenylalanine, which is neutral and non-polar, at codon 45 of the B4GALT7 protein (p.Ser45Phe).